The following is an entry in ClinVar:

ClinVar aggregate classification (germline): Pathogenic (1 of 4 stars; one submission).

Conditions:
Hypohidrotic X-linked ectodermal dysplasia (XHED). Also called: ECTODERMAL DYSPLASIA, HYPOHIDROTIC, 1; CST SYNDROME; Christ-Siemans-Touraine syndrome; Anhidrotic ectodermal dysplasia X-linked; Christ Siemens Touraine syndrome; ECTODERMAL DYSPLASIA 1. Identifiers: Orphanet 181, Orphanet 238468, MedGen C0162359, MONDO:0010585, OMIM 305100.

Submission:

Labcorp Genetics (formerly Invitae), Labcorp
Classification: Pathogenic for Hypohidrotic X-linked ectodermal dysplasia. Last evaluated: 2020-12-14. Review status: criteria provided, single submitter. Criteria: Invitae Variant Classification Sherloc (09022015). Collection method: clinical testing. Allele origin: germline.
Comment: For these reasons, this variant has been classified as Pathogenic. This variant disrupts the p.Pro203 amino acid residue in EDA. Other variant(s) that disrupt this residue have been determined to be pathogenic (PMID: 27305980). This suggests that this residue is clinically significant, and that variants that disrupt this residue are likely to be disease-causing. This variant has not been reported in the literature in individuals with EDA-related conditions. This variant results in the deletion of exon 3 and part of exon 4 (c.503-8064_615delinsCCAGGACC) of the EDA gene. It is expected to disrupt RNA splicing. Variants that disrupt the donor or acceptor splice site typically lead to a loss of protein function (PMID: 16199547), and loss-of-function variants in EDA are known to be pathogenic (PMID: 9683615).

Literature cited by the submitters: PubMed 27305980; PubMed 16199547; PubMed 9683615.

NC_000023.10:g.(?_69235004)_(69247795_?)del

Gene: EDA (ectodysplasin A; plus strand). Cytogenetic location: Xq13.1.
Variant type: Deletion.
Identifiers: ClinVar variation 1460290 (VCV001460290.4).